The following is an entry in ClinVar:

ClinVar aggregate classification (germline): Likely benign (1 of 4 stars; one submission).

Submission:

CeGaT Center for Human Genetics Tuebingen
Classification: Likely benign. Last evaluated: 2026-08-01. Review status: criteria provided, single submitter. Criteria: CeGaT Center For Human Genetics Tuebingen Variant Classification Criteria Version 2. Collection method: clinical testing. Allele origin: germline. Affected: yes. Observed: 6 variant alleles.
Comment: OR2T4: PM2:Supporting, BP4, BP7

NC_000001.11:g.248361664A>C

Gene: OR2T4 (olfactory receptor family 2 subfamily T member 4; plus strand). Cytogenetic location: 1q44.
Variant type: single nucleotide variant.
Genome position: GRCh38 VCF-style: chr1-248361664-A-C. GRCh37 (hg19) VCF-style: chr1-248524966-A-C.
Identifiers: ClinVar variation 2640253 (VCV002640253.22), dbSNP rs2464818020, ClinGen allele CA424747187.